The following is an entry in ClinVar:

NM_017662.5(TRPM6):c.4287C>A (p.Cys1429Ter)

Gene: TRPM6 (transient receptor potential cation channel subfamily M member 6; minus strand). Cytogenetic location: 9q21.13.
Variant type: single nucleotide variant.
Coding change: c.4287C>A on transcript NM_017662.5 (MANE Select); coding-DNA position 4287, C replaced by A.
Protein change: p.Cys1429Ter; replaces cysteine 1429 with a stop codon.
Molecular consequence: nonsense.
Genome position (GRCh38, 1-based): chr9:74,762,384, G>T on the plus strand (C>A on the coding strand, the complement: TRPM6 is on the minus strand). VCF-style: chr9-74762384-G-T. GRCh37 (hg19) VCF-style: chr9-77377300-G-T.
Other names: c.4272C>A, p.Cys1424Ter (NM_001177310.2, NM_001177311.2); c.4287C>A (NM_017662.4); short protein forms C1424*, C1429*.
Identifiers: ClinVar variation 3597542 (VCV003597542.4).

ClinVar aggregate classification (germline): Pathogenic/Likely pathogenic. Review status: criteria provided, multiple submitters, no conflicts (2 of 4 stars). 3 submissions from 3 submitters: Pathogenic (1); Likely pathogenic (2). Last evaluated 2026-02-02.

Conditions:
Intestinal hypomagnesemia 1. Also called: HYPOMAGNESEMIA, INTESTINAL, WITH SECONDARY HYPOCALCEMIA; HYPOMAGNESEMIC TETANY. Identifiers: Orphanet 30924, MedGen C1865974, MONDO:0011176, OMIM 602014.
TRPM6-related disorder. Also called: TRPM6-related condition.

gnomAD v4.1: 1 of 1,614,224 alleles (0.000062%); highest among the groups gnomAD compares: Non-Finnish European, 0.000085%; no homozygotes.

Submissions (3):

PreventionGenetics, part of Exact Sciences
Classification: Likely pathogenic for TRPM6-related condition. Last evaluated: 2026-02-02. Review status: criteria provided, single submitter. Criteria: ACMG Guidelines, 2015. Collection method: clinical testing. Allele origin: germline.
Comment: The TRPM6 c.4287C>A variant is predicted to result in premature protein termination (p.Cys1429*). To our knowledge, this variant has not been reported in the literature in individuals affected with TRPM6-related conditions or in a large population database (gnomAD), indicating this variant is rare. Nonsense variants in TRPM6 are expected to be pathogenic. This variant is interpreted as likely pathogenic.

Fulgent Genetics
Classification: Likely pathogenic for Intestinal hypomagnesemia 1. Last evaluated: 2024-05-14. Review status: criteria provided, single submitter. Criteria: ACMG Guidelines, 2015. Collection method: clinical testing. Allele origin: germline.

Labcorp Genetics (formerly Invitae), Labcorp
Classification: Pathogenic. Last evaluated: 2024-04-08. Review status: criteria provided, single submitter. Criteria: Invitae Variant Classification Sherloc (09022015). Collection method: clinical testing. Allele origin: germline.
Comment: This sequence change creates a premature translational stop signal (p.Cys1429*) in the TRPM6 gene. It is expected to result in an absent or disrupted protein product. Loss-of-function variants in TRPM6 are known to be pathogenic (PMID: 16107578). This variant is not present in population databases (gnomAD no frequency). This variant has not been reported in the literature in individuals affected with TRPM6-related conditions. For these reasons, this variant has been classified as Pathogenic.

Literature cited by the submitters: PubMed 16107578 (cited by Labcorp Genetics (formerly Invitae), Labcorp).